The following is an entry in ClinVar:

NM_000391.4(TPP1):c.1439T>G (p.Val480Gly)

Gene: TPP1 (tripeptidyl peptidase 1; minus strand). Cytogenetic location: 11p15.4.
Variant type: single nucleotide variant.
Coding change: c.1439T>G on transcript NM_000391.4 (MANE Select); coding-DNA position 1439, T replaced by G.
Protein change: p.Val480Gly; replaces valine 480 with glycine.
Molecular consequence: missense variant.
Genome position (GRCh38, 1-based): chr11:6,614,978, A>C on the plus strand (T>G on the coding strand, the complement: TPP1 is on the minus strand). VCF-style: chr11-6614978-A-C. GRCh37 (hg19) VCF-style: chr11-6636209-A-C.
Other names: short protein forms V480G.
Identifiers: ClinVar variation 872296 (VCV000872296.51), dbSNP rs1192702664, ClinGen allele CA379472468.
Genomic context (GRCh38, chr11:6,614,978, plus strand): 5'-AGAGGGGGGCGGCCACTAAGGATCCTGTGCTCATTGATCAAGGATAGGATCCCCCCAAAC[A>C]CTGGAGTAGAGGCCTACAAGAGTGAAGGTGCAAGTAGAGGTCAGGGGTTCTGAGTGATTG-3'
Protein context (NP_000382.3, residues 470-490): WVSGTSASTP[Val480Gly]FGGILSLINE

ClinVar aggregate classification (germline): Conflicting classifications of pathogenicity. Review status: criteria provided, conflicting classifications (1 of 4 stars). 4 submissions from 4 submitters: Pathogenic (1); Likely pathogenic (1); Uncertain significance (2). Last evaluated 2026-08-31.

Conditions:
Neuronal ceroid lipofuscinosis 2. Also called: TPP1-Related Neuronal Ceroid-Lipofuscinosis; JANSKY-BIELSCHOWSKY DISEASE NEURONAL CEROID LIPOFUSCINOSIS, LATE INFANTILE. Identifiers: Orphanet 168491, Orphanet 228349, Orphanet 79264, MedGen C1876161, MONDO:0008769, OMIM 204500.

Allele frequency attached by ClinVar (database versions not stated): gnomAD exomes below 0.00001; TOPMed below 0.00001; gnomAD 0.00001.
gnomAD v4.1: 5 of 1,613,776 alleles (0.00031%); highest among the groups gnomAD compares: Non-Finnish European, 0.00042%; no homozygotes.

Submissions (4):

Myriad Genetics, Inc.
Classification: Uncertain significance for Neuronal ceroid lipofuscinosis 2. Last evaluated: 2026-08-31. Review status: criteria provided, single submitter. Criteria: Myriad Autosomal Dominant, Autosomal Recessive and X-Linked Classification Criteria (2023). Collection method: clinical testing. Allele origin: unknown.
Comment: NM_000391.3(TPP1):c.1439T>G(V480G) is a missense variant classified as a variant of uncertain significance in the context of TPP1-related neuronal ceroid lipofuscinosis. V480G has been observed in cases with relevant disease (PMID: 33377563, 30771299). Relevant functional assessments of this variant are not available in the literature. V480G has been observed in referenced population frequency databases. In summary, there is insufficient evidence to classify NM_000391.3(TPP1):c.1439T>G(V480G) as pathogenic or benign. Please note: this variant was assessed in the context of healthy population screening.

Labcorp Genetics (formerly Invitae), Labcorp
Classification: Uncertain significance. Last evaluated: 2024-08-03. Review status: criteria provided, single submitter. Criteria: Invitae Variant Classification Sherloc (09022015). Collection method: clinical testing. Allele origin: germline.
Comment: This sequence change replaces valine, which is neutral and non-polar, with glycine, which is neutral and non-polar, at codon 480 of the TPP1 protein (p.Val480Gly). This variant is present in population databases (no rsID available, gnomAD 0.0009%). This missense change has been observed in individual(s) with neuronal ceroid lipofuscinosis (PMID: 18283468). ClinVar contains an entry for this variant (Variation ID: 872296). Advanced modeling of protein sequence and biophysical properties (such as structural, functional, and spatial information, amino acid conservation, physicochemical variation, residue mobility, and thermodynamic stability) performed at Invitae indicates that this missense variant is expected to disrupt TPP1 protein function with a positive predictive value of 95%. Algorithms developed to predict the effect of sequence changes on RNA splicing suggest that this variant may disrupt the consensus splice site. In summary, the available evidence is currently insufficient to determine the role of this variant in disease. Therefore, it has been classified as a Variant of Uncertain Significance.

Centre of Medical Genetics, University Hospital Muenster
Classification: Likely pathogenic. Last evaluated: 2022-10-14. Review status: criteria provided, single submitter. Criteria: ACMG Guidelines, 2015. Collection method: clinical testing. Allele origin: unknown. Affected: yes. Observed: 1 variant allele, 1 heterozygote.
Comment: ACMG categories: PM2,PM3,PM7,PP3

CeGaT Center for Human Genetics Tuebingen
Classification: Pathogenic. Last evaluated: 2018-09-01. Review status: criteria provided, single submitter. Criteria: CeGaT Center For Human Genetics Tuebingen Variant Classification Criteria Version 2. Collection method: clinical testing. Allele origin: germline. Affected: yes. Observed: 1 variant allele.

Literature cited by the submitters: PubMed 30771299 (cited by Myriad Genetics, Inc.); PubMed 33377563 (cited by Myriad Genetics, Inc.); PubMed 18283468 (cited by Labcorp Genetics (formerly Invitae), Labcorp).